The following is an entry in ClinVar:

NM_001205293.3(CACNA1E):c.3343A>C (p.Lys1115Gln)

Gene: CACNA1E (calcium voltage-gated channel subunit alpha1 E; plus strand). Cytogenetic location: 1q25.3.
Variant type: single nucleotide variant.
Coding change: c.3343A>C on transcript NM_001205293.3 (MANE Select); coding-DNA position 3343, A replaced by C.
Protein change: p.Lys1115Gln; replaces lysine 1115 with glutamine.
Molecular consequence: missense variant.
Genome position (GRCh38, 1-based): chr1:181,736,355, A>C. VCF-style: chr1-181736355-A-C. GRCh37 (hg19) VCF-style: chr1-181705491-A-C.
Other names: c.3343A>C, p.Lys1115Gln (NM_000721.4); c.3286A>C, p.Lys1096Gln (NM_001205294.2); short protein forms K1096Q, K1115Q.
Identifiers: ClinVar variation 2639613 (VCV002639613.27), dbSNP rs373021789, ClinGen allele CA1275547.

ClinVar aggregate classification (germline): Likely benign. Review status: criteria provided, multiple submitters, no conflicts (2 of 4 stars). 2 submissions from 2 submitters: Likely benign (2). Last evaluated 2023-08-01.

Allele frequency attached by ClinVar (database versions not stated): ExAC 0.00001; gnomAD 0.00001; gnomAD exomes 0.00001; TOPMed 0.00001; ESP Exome Variant Server 0.00008.
gnomAD v4.1: 9 of 1,610,442 alleles (0.00056%); highest among the groups gnomAD compares: African/African-American, 0.004%; no homozygotes.

Submissions (2):

CeGaT Center for Human Genetics Tuebingen
Classification: Likely benign. Last evaluated: 2023-08-01. Review status: criteria provided, single submitter. Criteria: CeGaT Center For Human Genetics Tuebingen Variant Classification Criteria Version 2. Collection method: clinical testing. Allele origin: germline. Affected: yes. Observed: 1 variant allele.
Comment: CACNA1E: BP4

Labcorp Genetics (formerly Invitae), Labcorp
Classification: Likely benign. Last evaluated: 2023-01-01. Review status: criteria provided, single submitter. Criteria: Invitae Variant Classification Sherloc (09022015). Collection method: clinical testing. Allele origin: germline.